The following is an entry in ClinVar:

NM_001458.5(FLNC):c.5414C>T (p.Pro1805Leu)

Genes: FLNC (filamin C; plus strand), FLNC-AS1 (FLNC antisense RNA 1; minus strand). Cytogenetic location: 7q32.1.
Variant type: single nucleotide variant.
Coding change: c.5414C>T on transcript NM_001458.5 (MANE Select); coding-DNA position 5414, C replaced by T.
Protein change: p.Pro1805Leu; replaces proline 1805 with leucine.
Molecular consequence: missense variant.
Genome position (GRCh38, 1-based): chr7:128,850,818, C>T. VCF-style: chr7-128850818-C-T. GRCh37 (hg19) VCF-style: chr7-128490872-C-T.
Other names: c.5315C>T, p.Pro1772Leu (NM_001127487.2); short protein forms P1772L, P1805L.
Identifiers: ClinVar variation 1060860 (VCV001060860.6), dbSNP rs2128938211, ClinGen allele CA369206610.

ClinVar aggregate classification (germline): Uncertain significance (1 of 4 stars; one submission).

Conditions:
Dilated Cardiomyopathy, Dominant.
Distal myopathy with posterior leg and anterior hand involvement. Also called: WILLIAMS DISTAL MYOPATHY. Identifiers: Orphanet 63273, MedGen C3279722, MONDO:0013550, OMIM 614065.
Myofibrillar myopathy 5. Also called: Filaminopathy (type); FILAMINOPATHY, AUTOSOMAL DOMINANT. Identifiers: Orphanet 171445, MedGen C1836050, MONDO:0012289, OMIM 609524.
Hypertrophic cardiomyopathy 26. Also called: Cardiomyopathy, familial hypertrophic, 26. Identifiers: Orphanet 75249, MedGen C4310749, MONDO:0014883, OMIM 617047.

Allele frequency attached by ClinVar (database versions not stated): gnomAD exomes below 0.00001.
gnomAD v4.1: 1 of 1,613,688 alleles (0.000062%); highest among the groups gnomAD compares: South Asian, 0.0011%; no homozygotes.

Submission:

Labcorp Genetics (formerly Invitae), Labcorp
Classification: Uncertain significance for Distal myopathy with posterior leg and anterior hand involvement; Myofibrillar myopathy 5; Hypertrophic cardiomyopathy 26. Last evaluated: 2021-08-30. Review status: criteria provided, single submitter. Criteria: Invitae Variant Classification Sherloc (09022015). Collection method: clinical testing. Allele origin: germline.
Comment: This sequence change replaces proline with leucine at codon 1805 of the FLNC protein (p.Pro1805Leu). The proline residue is highly conserved and there is a moderate physicochemical difference between proline and leucine. This variant is not present in population databases (ExAC no frequency). This variant has not been reported in the literature in individuals affected with FLNC-related conditions. Algorithms developed to predict the effect of missense changes on protein structure and function are either unavailable or do not agree on the potential impact of this missense change (SIFT: "Deleterious"; PolyPhen-2: "Benign"; Align-GVGD: "Class C15"). In summary, the available evidence is currently insufficient to determine the role of this variant in disease. Therefore, it has been classified as a Variant of Uncertain Significance.